The following is an entry in ClinVar:

ClinVar aggregate classification (germline): Uncertain significance (1 of 4 stars; one submission).

Conditions:
Intellectual developmental disorder, autosomal dominant 43. Also called: Intellectual disability, autosomal dominant 43. Identifiers: MedGen C4707429, MONDO:0014858, OMIM 616977.

gnomAD v4.1: 4 of 1,614,222 alleles (0.00025%); highest among the groups gnomAD compares: African/African-American, 0.0013%; no homozygotes.

Submission:

Institute for Clinical Genetics, University Hospital TU Dresden, University Hospital TU Dresden
Classification: Uncertain significance for Intellectual developmental disorder, autosomal dominant 43. Last evaluated: 2023-10-06. Review status: criteria provided, single submitter. Criteria: ACMG Guidelines, 2015. Collection method: clinical testing. Allele origin: germline. Affected: yes.
Comment: The missense variant in the HIVEP2 gene (NM_006734.4:c.2941A>G, p.(Met981Val)) leads to an amino acid exchange at position 981 in the corresponding protein due to a base exchange at position 2941 of the mRNA. This variant is not previously listed in the ClinVar database. The gene does not empirically show increased sensitivity to missense variants (Z-score 1.83). Bioinformatic prediction algorithms estimate the effect of the variant on protein function as insignificant (REVEL score 0.112), which could not be confirmed by functional studies so far. In the literature, the majority of variants described so far are loss-of-function variants, except for a few missense variants (PMID: 34704275, PMID: 31602191). In the gnomAD database, this variant has not been found in healthy individuals so far. According to current ACMG recommendations for variant assessment (PMID 25741868), the criteria PM2_SUP and BP4 are fulfilled, resulting in an assessment as a variant of unclear significance (ACMG class 3).

NM_006734.4(HIVEP2):c.2941A>G (p.Met981Val)

Gene: HIVEP2 (HIVEP zinc finger 2; minus strand). Cytogenetic location: 6q24.2.
Variant type: single nucleotide variant.
Coding change: c.2941A>G on transcript NM_006734.4 (MANE Select); coding-DNA position 2941, A replaced by G.
Protein change: p.Met981Val; replaces methionine 981 with valine.
Molecular consequence: missense variant.
Genome position (GRCh38, 1-based): chr6:142,771,798, T>C on the plus strand (A>G on the coding strand, the complement: HIVEP2 is on the minus strand). VCF-style: chr6-142771798-T-C. GRCh37 (hg19) VCF-style: chr6-143092935-T-C.
Other names: c.2941A>G, p.Met981Val (NM_001438449.1, NM_001438450.1, NM_001438451.1); short protein forms M981V.
Identifiers: ClinVar variation 4850088 (VCV004850088.1).